The following is an entry in ClinVar:

NM_016507.4(CDK12):c.835T>G (p.Tyr279Asp)

Genes: CDK12 (cyclin dependent kinase 12; plus strand), LOC126862553 (CDK7 strongly-dependent group 2 enhancer GRCh37_chr17:37618166-37619365; plus strand). Cytogenetic location: 17q12.
Variant type: single nucleotide variant.
Coding change: c.835T>G on transcript NM_016507.4 (MANE Select); coding-DNA position 835, T replaced by G.
Protein change: p.Tyr279Asp; replaces tyrosine 279 with aspartic acid.
Molecular consequence: missense variant.
Genome position (GRCh38, 1-based): chr17:39,462,906, T>G. VCF-style: chr17-39462906-T-G. GRCh37 (hg19) VCF-style: chr17-37619159-T-G.
Other names: c.835T>G, p.Tyr279Asp (NM_015083.4); short protein forms Y279D.
Identifiers: ClinVar variation 5034094 (VCV005034094.1).

ClinVar aggregate classification (germline): Uncertain significance (1 of 4 stars; one submission).

Submission:

Ambry Genetics
Classification: Uncertain significance. Last evaluated: 2026-07-13. Review status: criteria provided, single submitter. Criteria: Ambry Variant Classification Scheme 2023. Collection method: clinical testing. Allele origin: germline.
Comment: The p.Y279D variant (also known as c.835T>G), located in coding exon 1 of the CDK12 gene, results from a T to G substitution at nucleotide position 835. The tyrosine at codon 279 is replaced by aspartic acid, an amino acid with highly dissimilar properties. This amino acid position is conserved. In addition, the in silico prediction for this alteration is inconclusive. Based on the available evidence, the clinical significance of this variant remains unclear.